The following is an entry in ClinVar:

ClinVar aggregate classification (germline): Uncertain significance (1 of 4 stars; one submission).

Conditions:
GM3 synthase deficiency (SPDRS). Also called: SALT AND PEPPER MENTAL RETARDATION SYNDROME; SALT AND PEPPER DEVELOPMENTAL REGRESSION SYNDROME; AMISH INFANTILE EPILEPSY SYNDROME. Identifiers: Orphanet 171714, Orphanet 370933, MedGen C1836824, MONDO:0018274, OMIM 609056.

Allele frequency attached by ClinVar (database versions not stated): gnomAD exomes below 0.00001.

Submission:

Labcorp Genetics (formerly Invitae), Labcorp
Classification: Uncertain significance for GM3 synthase deficiency. Last evaluated: 2022-08-31. Review status: criteria provided, single submitter. Criteria: Invitae Variant Classification Sherloc (09022015). Collection method: clinical testing. Allele origin: germline.
Comment: This sequence change replaces alanine, which is neutral and non-polar, with valine, which is neutral and non-polar, at codon 23 of the ST3GAL5 protein (p.Ala23Val). This variant is not present in population databases (gnomAD no frequency). This variant has not been reported in the literature in individuals affected with ST3GAL5-related conditions. ClinVar contains an entry for this variant (Variation ID: 1479521). Algorithms developed to predict the effect of missense changes on protein structure and function (SIFT, PolyPhen-2, Align-GVGD) all suggest that this variant is likely to be tolerated. Algorithms developed to predict the effect of sequence changes on RNA splicing suggest that this variant may create or strengthen a splice site. In summary, the available evidence is currently insufficient to determine the role of this variant in disease. Therefore, it has been classified as a Variant of Uncertain Significance.

NM_003896.4(ST3GAL5):c.68C>T (p.Ala23Val)

Genes: ST3GAL5 (ST3 beta-galactoside alpha-2,3-sialyltransferase 5; minus strand), LOC129934236 (ATAC-STARR-seq lymphoblastoid silent region 11709; plus strand). Cytogenetic location: 2p11.2.
Variant type: single nucleotide variant.
Coding change: c.68C>T on transcript NM_003896.4 (MANE Select); coding-DNA position 68, C replaced by T.
Protein change: p.Ala23Val; replaces alanine 23 with valine.
Molecular consequence: missense variant. On other transcripts: 5 prime UTR variant (6).
Genome position (GRCh38, 1-based): chr2:85,888,838, G>A on the plus strand (C>T on the coding strand, the complement: ST3GAL5 is on the minus strand). VCF-style: chr2-85888838-G-A. GRCh37 (hg19) VCF-style: chr2-86115961-G-A.
Other names: c.-895C>T (NM_001354223.2); c.-557C>T (NM_001354224.2); c.-494C>T (NM_001354226.2); c.-204C>T (NM_001354227.2); c.-148C>T (NM_001354229.2); c.-934C>T (NM_001354233.2); c.68C>T, p.Ala23Val (NM_001363847.1); short protein forms A23V.
Identifiers: ClinVar variation 1479521 (VCV001479521.3), dbSNP rs985025319, ClinGen allele CA51351163.